The following is an entry in ClinVar:

NM_145068.3(TRPV3):c.-269A>G

Gene: TRPV3 (transient receptor potential cation channel subfamily V member 3; minus strand). Cytogenetic location: 17p13.2.
Variant type: single nucleotide variant.
Coding change: c.-269A>G on transcript NM_145068.3; 269 bases upstream of the start codon, A replaced by G.
Genome position (GRCh38, 1-based): chr17:3,557,942, T>C on the plus strand (A>G on the coding strand, the complement: TRPV3 is on the minus strand). VCF-style: chr17-3557942-T-C. GRCh37 (hg19) VCF-style: chr17-3461236-T-C.
Identifiers: ClinVar variation 322811 (VCV000322811.8), dbSNP rs322958, ClinGen allele CA10639454.
Genomic context (GRCh38, chr17:3,557,942, plus strand): 5'-CAGCACCCGCCCACCCACGTGGCCCGTGTGAGTCACCCCCACACCCACACAGCAGCCTCA[T>C]CCCCACCGGAGAAAAGGCAGGGGAGGCCGCAGGTGCCAAGATCGAAGTTGTGGGTCCAAC-3'

ClinVar aggregate classification (germline): Benign. Review status: criteria provided, multiple submitters, no conflicts (2 of 4 stars). 2 submissions from 2 submitters: Benign (2). Last evaluated 2018-01-13.

Conditions:
Isolated focal non-epidermolytic palmoplantar keratoderma. Also called: Palmoplantar keratoderma, nonepidermolytic, focal 2. Identifiers: Orphanet 448264, MedGen C4225339, MONDO:0014622, OMIM 616400.

Allele frequency attached by ClinVar (database versions not stated): gnomAD exomes 0.68056; 1000 Genomes Project 30x 0.68379; gnomAD 0.67256 and 0.67103; 1000 Genomes Project 0.69229; TOPMed 0.67622.

Submissions (2):

Illumina Laboratory Services, Illumina
Classification: Benign for Isolated focal non-epidermolytic palmoplantar keratoderma. Last evaluated: 2018-01-13. Review status: criteria provided, single submitter. Criteria: ICSL Variant Classification Criteria 13 December 2019. Collection method: clinical testing. Allele origin: germline.
Comment: This variant was observed in the ICSL laboratory as part of a predisposition screen in an ostensibly healthy population. It had not been previously curated by ICSL or reported in the Human Gene Mutation Database (HGMD: prior to June 1st, 2018), and was therefore a candidate for classification through an automated scoring system. Utilizing variant allele frequency, disease prevalence and penetrance estimates, and inheritance mode, an automated score was calculated to assess if this variant is too frequent to cause the disease. Based on the score and internal cut-off values, a variant classified as benign is not then subjected to further curation. The score for this variant resulted in a classification of benign for this disease.

Breakthrough Genomics
Classification: Benign. Review status: criteria provided, single submitter. Criteria: ACMG Guidelines, 2015. Collection method: not provided. Allele origin: germline. Inheritance: Autosomal dominant inheritance. Affected: yes.